The following is an entry in ClinVar:

NM_138295.5(PKD1L1):c.3158G>A (p.Arg1053His)

Gene: PKD1L1 (polycystin 1 like 1, transient receptor potential channel interacting; minus strand). Cytogenetic location: 7p12.3.
Variant type: single nucleotide variant.
Coding change: c.3158G>A on transcript NM_138295.5 (MANE Select); coding-DNA position 3158, G replaced by A.
Protein change: p.Arg1053His; replaces arginine 1053 with histidine.
Molecular consequence: missense variant.
Genome position (GRCh38, 1-based): chr7:47,885,733, C>T on the plus strand (G>A on the coding strand, the complement: PKD1L1 is on the minus strand). VCF-style: chr7-47885733-C-T. GRCh37 (hg19) VCF-style: chr7-47925331-C-T.
Other names: short protein forms R1053H.
Identifiers: ClinVar variation 791286 (VCV000791286.12), dbSNP rs10274334, ClinGen allele CA4253528.
Genomic context (GRCh38, chr7:47,885,733, plus strand): 5'-CAGTGGCACTTACCAGAGAGGTGAGGGTCAGGGCTGTGGGTGGGCTGACTTCTCTCAGAG[C>T]GGCCAGTCATCAGGGATCCCTTGCTCTGTGGCCCTGGCTCTAGGTCTAGTGAACCTTCCT-3'
Protein context (NP_612152.1, residues 1043-1063): PQSKGSLMTG[Arg1053His]SERSQPTHSP

ClinVar aggregate classification (germline): Conflicting classifications of pathogenicity. Review status: criteria provided, conflicting classifications (1 of 4 stars). 3 submissions from 3 submitters: Uncertain significance (1); Likely benign (2). Last evaluated 2026-01-16.

Allele frequency attached by ClinVar (database versions not stated): 1000 Genomes Project 30x 0.00219; 1000 Genomes Project 0.00220.
gnomAD v4.1: 409 of 1,613,874 alleles (0.025%); highest among the groups gnomAD compares: African/African-American, 0.46%; 2 homozygotes.

Submissions (3):

Labcorp Genetics (formerly Invitae), Labcorp
Classification: Likely benign. Last evaluated: 2026-01-16. Review status: criteria provided, single submitter. Criteria: Invitae Variant Classification Sherloc (09022015). Collection method: clinical testing. Allele origin: germline.

Blueprint Genetics
Classification: Likely benign. Last evaluated: 2024-02-12. Review status: criteria provided, single submitter. Criteria: ACMG Guidelines, 2015. Collection method: clinical testing. Allele origin: germline.

GeneDx
Classification: Uncertain significance. Last evaluated: 2022-06-08. Review status: criteria provided, single submitter. Criteria: GeneDx Variant Classification Process June 2021. Collection method: clinical testing. Allele origin: germline. Affected: yes.
Comment: In silico analysis, which includes protein predictors and evolutionary conservation, supports that this variant does not alter protein structure/function; Has not been previously published as pathogenic or benign to our knowledge